The following is an entry in ClinVar:

NC_000001.10:g.(12333193_12335881)_(12338096_12339555)dup

Gene: VPS13D (vacuolar protein sorting 13 homolog D; plus strand). Cytogenetic location: 1p36.22.
Variant type: Duplication.
Identifiers: ClinVar variation 4687134 (VCV004687134.1).

ClinVar aggregate classification (germline): Uncertain significance (1 of 4 stars; one submission).

Submission:

Women's Health and Genetics/Laboratory Corporation of America, LabCorp
Classification: Uncertain significance. Last evaluated: 2025-10-21. Review status: criteria provided, single submitter. Criteria: LabCorp Variant Classification Summary - May 2015. Collection method: clinical testing. Allele origin: germline.
Comment: Variant summary: The variant involves the duplication of exons 19 in the VPS13D gene. A presumed nomenclature of c.(2236+1_2237-1)_(4450+1_4451-1)dup has been designated for the purposes of this classification. It is assumed to be a tandem duplication in direct orientation (PMIDs: 25640679, 30054569). This Copy Number Variant (CNV) is predicted to result in an in-frame duplication within this gene. The variant was absent in 120774 control chromosomes in the gnomAD database (Structural Variants v4.1 dataset). The available data on variant occurrences in the general population are insufficient to allow any conclusion about variant significance. To our knowledge, no occurrence of c.(2236+1_2237-1)_(4450+1_4451-1)dup in individuals affected with VPS13D-related conditions and no experimental evidence demonstrating its impact on protein function have been reported. No submitters have cited clinical-significance assessments for this variant to ClinVar. Based on the evidence outlined above, the variant was classified as uncertain significance.